The following is an entry in ClinVar:

ClinVar aggregate classification (germline): Uncertain significance. Review status: criteria provided, multiple submitters, no conflicts (2 of 4 stars). 4 submissions from 4 submitters: Uncertain significance (4). Last evaluated 2025-11-09.

Conditions:
Long QT syndrome (LQTS). Identifiers: MedGen C0023976, MeSH D008133, MONDO:0002442. Disease mechanism: loss of function. Inheritance: Various modes of inheritance.
Long QT syndrome 12 (LQT12). Identifiers: Orphanet 101016, Orphanet 768, MedGen C2751830, MONDO:0013062, OMIM 612955.
Cardiovascular phenotype. Identifiers: MedGen CN230736.

Allele frequency attached by ClinVar (database versions not stated): gnomAD exomes 0.00002; ExAC 0.00003; TOPMed 0.00003; gnomAD 0.00005 and 0.00006; ESP Exome Variant Server 0.00008; 1000 Genomes Project 30x 0.00016; 1000 Genomes Project 0.00020.
gnomAD v4.1: 29 of 1,613,578 alleles (0.0018%); highest among the groups gnomAD compares: African/African-American, 0.012%; no homozygotes.

Submissions (4):

Labcorp Genetics (formerly Invitae), Labcorp
Classification: Uncertain significance for Long QT syndrome. Last evaluated: 2025-11-09. Review status: criteria provided, single submitter. Criteria: Invitae Variant Classification Sherloc (09022015). Collection method: clinical testing. Allele origin: germline.
Comment: This sequence change replaces alanine, which is neutral and non-polar, with valine, which is neutral and non-polar, at codon 261 of the SNTA1 protein (p.Ala261Val). This variant is present in population databases (rs139467962, gnomAD 0.02%). This missense change has been observed in individual(s) with prolonged QT interval (PMID: 23376825). ClinVar contains an entry for this variant (Variation ID: 546085). Invitae Evidence Modeling of protein sequence and biophysical properties (such as structural, functional, and spatial information, amino acid conservation, physicochemical variation, residue mobility, and thermodynamic stability) indicates that this missense variant is not expected to disrupt SNTA1 protein function with a negative predictive value of 80%. Experimental studies have shown that this missense change affects SNTA1 function (PMID: 23376825). In summary, the available evidence is currently insufficient to determine the role of this variant in disease. Therefore, it has been classified as a Variant of Uncertain Significance.

Ambry Genetics
Classification: Uncertain significance for Cardiovascular phenotype. Last evaluated: 2024-05-12. Review status: criteria provided, single submitter. Criteria: Ambry Variant Classification Scheme 2023. Collection method: clinical testing. Allele origin: germline.
Comment: The p.A261V variant (also known as c.782C>T), located in coding exon 4 of the SNTA1 gene, results from a C to T substitution at nucleotide position 782. The alanine at codon 261 is replaced by valine, an amino acid with similar properties. In vitro studies by these authors indicated that p.A261V may impact protein function; however, the combined functional impact of the SNTA1 and the SCN5A variants was more significant than either variant alone. This amino acid position is not well conserved in available vertebrate species. In addition, this alteration is predicted to be tolerated by in silico analysis. Since supporting evidence is limited at this time, the clinical significance of this alteration remains unclear.

Fulgent Genetics
Classification: Uncertain significance for Long QT syndrome 12. Last evaluated: 2021-09-21. Review status: criteria provided, single submitter. Criteria: ACMG Guidelines, 2015. Collection method: clinical testing. Allele origin: unknown.

GeneDx
Classification: Uncertain significance. Last evaluated: 2021-01-15. Review status: criteria provided, single submitter. Criteria: GeneDx Variant Classification Process June 2021. Collection method: clinical testing. Allele origin: germline. Affected: yes.
Comment: Reported in one family with LQTS, several family members also harbor a variant in the SCN5A gene and the members of this family that harbor both variants have a more severe clinical phenotype compared to the family members that only harbor one variant (Hu et al., 2013); Published in vitro functional studies showed a more severely altered channel function in the presence of both variants compared to either the SNTA1 variant or the SCN5A variant alone (Hu et al., 2013); nevertheless, it is unclear how these studies may translate to a pathogenic role in vivo; In silico analysis supports that this missense variant does not alter protein structure/function; This variant is associated with the following publications: (PMID: 23376825)

Literature cited by the submitters: PubMed 23376825 (cited by Labcorp Genetics (formerly Invitae), Labcorp and Ambry Genetics); PubMed 25395996 (cited by Ambry Genetics); PubMed 25864170 (cited by Ambry Genetics); PubMed 28589536 (cited by Ambry Genetics); PubMed 29806494 (cited by Ambry Genetics).

NM_003098.3(SNTA1):c.782C>T (p.Ala261Val)

Gene: SNTA1 (syntrophin alpha 1; minus strand). Cytogenetic location: 20q11.21.
Variant type: single nucleotide variant.
Coding change: c.782C>T on transcript NM_003098.3 (MANE Select); coding-DNA position 782, C replaced by T.
Protein change: p.Ala261Val; replaces alanine 261 with valine.
Molecular consequence: missense variant.
Genome position (GRCh38, 1-based): chr20:33,412,702, G>A on the plus strand (C>T on the coding strand, the complement: SNTA1 is on the minus strand). VCF-style: chr20-33412702-G-A. GRCh37 (hg19) VCF-style: chr20-32000508-G-A.
Other names: short protein forms A261V.
Identifiers: ClinVar variation 546085 (VCV000546085.12), dbSNP rs139467962, ClinGen allele CA9817146.